The following is an entry in ClinVar:

ClinVar aggregate classification (germline): Pathogenic (1 of 4 stars; one submission).

Conditions:
Methylmalonic aciduria and homocystinuria type cblD (MAHCD). Also called: Methylmalonic aciduria with homocystinuria cblD type; METHYLMALONIC ACIDEMIA, cblH TYPE. Identifiers: Orphanet 622, Orphanet 79283, MedGen C1848552, MONDO:0010185, OMIM 277410.

Allele frequency attached by ClinVar (database versions not stated): gnomAD exomes below 0.00001.
gnomAD v4.1: 2 of 1,611,774 alleles (0.00012%); highest among the groups gnomAD compares: Non-Finnish European, 0.00017%; no homozygotes.

Submission:

Labcorp Genetics (formerly Invitae), Labcorp
Classification: Pathogenic for Methylmalonic aciduria and homocystinuria type cblD. Last evaluated: 2021-10-02. Review status: criteria provided, single submitter. Criteria: Invitae Variant Classification Sherloc (09022015). Collection method: clinical testing. Allele origin: germline.
Comment: For these reasons, this variant has been classified as Pathogenic. This variant has not been reported in the literature in individuals affected with MMADHC-related conditions. This variant is not present in population databases (ExAC no frequency). This sequence change creates a premature translational stop signal (p.Gln118*) in the MMADHC gene. It is expected to result in an absent or disrupted protein product. Loss-of-function variants in MMADHC are known to be pathogenic (PMID: 18385497).

Literature cited by the submitters: PubMed 18385497.

NM_015702.3(MMADHC):c.352C>T (p.Gln118Ter)

Gene: MMADHC (metabolism of cobalamin associated D; minus strand). Cytogenetic location: 2q23.2.
Variant type: single nucleotide variant.
Coding change: c.352C>T on transcript NM_015702.3 (MANE Select); coding-DNA position 352, C replaced by T.
Protein change: p.Gln118Ter; replaces glutamine 118 with a stop codon.
Molecular consequence: nonsense.
Genome position (GRCh38, 1-based): chr2:149,579,451, G>A on the plus strand (C>T on the coding strand, the complement: MMADHC is on the minus strand). VCF-style: chr2-149579451-G-A. GRCh37 (hg19) VCF-style: chr2-150435965-G-A.
Other names: short protein forms Q118*.
Identifiers: ClinVar variation 1456251 (VCV001456251.6), dbSNP rs2105048127, ClinGen allele CA348870522.